The following is an entry in ClinVar:

NM_001297.5(CNGB1):c.2217+2T>C

Gene: CNGB1 (cyclic nucleotide gated channel subunit beta 1; minus strand). Cytogenetic location: 16q21.
Variant type: single nucleotide variant.
Coding change: c.2217+2T>C on transcript NM_001297.5 (MANE Select); the canonical splice donor site of the intron after coding-DNA position 2217, T replaced by C.
Molecular consequence: splice donor variant.
Genome position (GRCh38, 1-based): chr16:57,916,127, A>G on the plus strand (T>C on the coding strand, the complement: CNGB1 is on the minus strand). VCF-style: chr16-57916127-A-G. GRCh37 (hg19) VCF-style: chr16-57950031-A-G.
Other names: c.2199+2T>C (NM_001286130.2).
Identifiers: ClinVar variation 1469151 (VCV001469151.8), dbSNP rs1960862003, ClinGen allele CA396063288.

ClinVar aggregate classification (germline): Likely pathogenic (1 of 4 stars; one submission).

Allele frequency attached by ClinVar (database versions not stated): gnomAD exomes below 0.00001.
gnomAD v4.1: 1 of 1,613,920 alleles (0.000062%); highest among the groups gnomAD compares: African/African-American, 0.0013%; no homozygotes.

Submission:

Labcorp Genetics (formerly Invitae), Labcorp
Classification: Likely pathogenic. Last evaluated: 2021-03-21. Review status: criteria provided, single submitter. Criteria: Invitae Variant Classification Sherloc (09022015). Collection method: clinical testing. Allele origin: germline.
Comment: In summary, the currently available evidence indicates that the variant is pathogenic, but additional data are needed to prove that conclusively. Therefore, this variant has been classified as Likely Pathogenic. Algorithms developed to predict the effect of sequence changes on RNA splicing suggest that this variant may disrupt the consensus splice site, but this prediction has not been confirmed by published transcriptional studies. This variant has not been reported in the literature in individuals with CNGB1-related conditions. This variant is not present in population databases (ExAC no frequency). This sequence change affects a donor splice site in intron 22 of the CNGB1 gene. It is expected to disrupt RNA splicing. Variants that disrupt the donor or acceptor splice site typically lead to a loss of protein function (PMID: 16199547), and loss-of-function variants in CNGB1 are known to be pathogenic (PMID: 15557452, 24043777).

Literature cited by the submitters: PubMed 16199547; PubMed 15557452; PubMed 24043777.